The following is an entry in ClinVar:

ClinVar aggregate classification (germline): Uncertain significance (1 of 4 stars; one submission).

Conditions:
Hereditary spastic paraplegia 30. Identifiers: Orphanet 101010, MedGen C5235139, MONDO:0012476.
Neuropathy, hereditary sensory, type 2C. Also called: Hereditary sensory and autonomic neuropathy type IIC; KIF1A-Related HSAN2 (HSAN2C). Identifiers: Orphanet 970, MedGen C3280168, MONDO:0013634, OMIM 614213.
Intellectual disability, autosomal dominant 9 (NESCAVS). Also called: NESCAV SYNDROME; KIF1A-Related Neurodevelopmental Disorder. Identifiers: Orphanet 662367, MedGen C5393830, MONDO:0013656, OMIM 614255.

gnomAD v4.1: 6 of 1,613,718 alleles (0.00037%); highest among the groups gnomAD compares: Non-Finnish European, 0.00051%; no homozygotes.

Submission:

Labcorp Genetics (formerly Invitae), Labcorp
Classification: Uncertain significance for Hereditary spastic paraplegia 30; Neuropathy, hereditary sensory, type 2C; Intellectual disability, autosomal dominant 9. Last evaluated: 2021-08-07. Review status: criteria provided, single submitter. Criteria: Invitae Variant Classification Sherloc (09022015). Collection method: clinical testing. Allele origin: germline.
Comment: In summary, the available evidence is currently insufficient to determine the role of this variant in disease. Therefore, it has been classified as a Variant of Uncertain Significance. Advanced modeling of protein sequence and biophysical properties (such as structural, functional, and spatial information, amino acid conservation, physicochemical variation, residue mobility, and thermodynamic stability) performed at Invitae indicates that this missense variant is expected to disrupt KIF1A protein function. This variant has not been reported in the literature in individuals affected with KIF1A-related conditions. This variant is not present in population databases (ExAC no frequency). This sequence change replaces glutamic acid with glutamine at codon 499 of the KIF1A protein (p.Glu499Gln). The glutamic acid residue is highly conserved and there is a small physicochemical difference between glutamic acid and glutamine.

NM_001244008.2(KIF1A):c.1522G>C (p.Glu508Gln)

Gene: KIF1A (kinesin family member 1A; minus strand). Cytogenetic location: 2q37.3.
Variant type: single nucleotide variant.
Coding change: c.1522G>C on transcript NM_001244008.2 (MANE Select); coding-DNA position 1522, G replaced by C.
Protein change: p.Glu508Gln; replaces glutamic acid 508 with glutamine.
Molecular consequence: missense variant.
Genome position (GRCh38, 1-based): chr2:240,767,321, C>G on the plus strand (G>C on the coding strand, the complement: KIF1A is on the minus strand). VCF-style: chr2-240767321-C-G. GRCh37 (hg19) VCF-style: chr2-241706738-C-G.
Other names: c.1522G>C, p.Glu508Gln (NM_001320705.2, NM_001330289.2, NM_001379638.1); c.1597G>C, p.Glu533Gln (NM_001330290.2, NM_001379631.1, NM_001379634.1 and 2 more transcripts); c.1495G>C, p.Glu499Gln (NM_001379632.1, NM_001379633.1, NM_001379636.1 and 10 more transcripts); c.1570G>C, p.Glu524Gln (NM_001379637.1, NM_001379648.1); short protein forms E499Q, E508Q, E524Q, E533Q.
Identifiers: ClinVar variation 1414678 (VCV001414678.6), dbSNP rs1276695754, ClinGen allele CA351328595.
Genomic context (GRCh38, chr2:240,767,321, plus strand): 5'-CTCACCTGGTGATCCCATCCTTGATGTAGTAGAGCAGGCACTCAGACATCAGCGGGTCCT[C>G]GTTCAGGTTGACGAGGTGTGGTGTCTGCAGGGAGACAGGAGGATCATCTCTCTTGCAGAG-3'
Protein context (NP_001230937.1, residues 498-518): KKTPHLVNLN[Glu508Gln]DPLMSECLLY